The following is an entry in ClinVar:

ClinVar aggregate classification (germline): Uncertain significance (1 of 4 stars; one submission).

gnomAD v4.1: 1 of 1,614,112 alleles (0.000062%); highest among the groups gnomAD compares: Non-Finnish European, 0.000085%; no homozygotes.

Submission:

Women's Health and Genetics/Laboratory Corporation of America, LabCorp
Classification: Uncertain significance. Last evaluated: 2025-05-30. Review status: criteria provided, single submitter. Criteria: LabCorp Variant Classification Summary - May 2015. Collection method: clinical testing. Allele origin: germline.
Comment: Variant summary: ARFGEF2 c.1394A>G (p.Asn465Ser) results in a conservative amino acid change in the encoded protein sequence. Algorithms developed to predict the effect of missense changes on protein structure and function are either unavailable or do not agree on the potential impact of this missense change. The variant was absent in 251468 control chromosomes. The available data on variant occurrences in the general population are insufficient to allow any conclusion about variant significance. To our knowledge, no occurrence of c.1394A>G in individuals affected with Periventricular Heterotopia With Microcephaly and no experimental evidence demonstrating its impact on protein function have been reported. No submitters have cited clinical-significance assessments for this variant to ClinVar. Based on the evidence outlined above, the variant was classified as uncertain significance.

NM_006420.3(ARFGEF2):c.1394A>G (p.Asn465Ser)

Gene: ARFGEF2 (ARF guanine nucleotide exchange factor 2; plus strand). Cytogenetic location: 20q13.13.
Variant type: single nucleotide variant.
Coding change: c.1394A>G on transcript NM_006420.3 (MANE Select); coding-DNA position 1394, A replaced by G.
Protein change: p.Asn465Ser; replaces asparagine 465 with serine.
Molecular consequence: missense variant.
Genome position (GRCh38, 1-based): chr20:48,971,323, A>G. VCF-style: chr20-48971323-A-G. GRCh37 (hg19) VCF-style: chr20-47587860-A-G.
Other names: c.1391A>G, p.Asn464Ser (NM_001410846.1); short protein forms N464S, N465S.
Identifiers: ClinVar variation 3902786 (VCV003902786.1).
Genomic context (GRCh38, chr20:48,971,323, plus strand): 5'-TCTCTTCAGTGCCTGATGTCTTTGAGCTCTCTCTTGCCATTTTTCTTACTCTTCTTTCAA[A>G]CTTTAAAATGCACTTGAAAATGCAGATAGAGGTACGGATTCCAAAGTTTTTTCATTTCAT-3'
Protein context (NP_006411.2, residues 455-475): SLAIFLTLLS[Asn465Ser]FKMHLKMQIE